The following is an entry in ClinVar:

NM_000088.4(COL1A1):c.1876G>A (p.Gly626Ser)

Gene: COL1A1 (collagen type I alpha 1 chain; minus strand). Cytogenetic location: 17q21.33.
Variant type: single nucleotide variant.
Coding change: c.1876G>A on transcript NM_000088.4 (MANE Select); coding-DNA position 1876, G replaced by A.
Protein change: p.Gly626Ser; replaces glycine 626 with serine.
Molecular consequence: missense variant.
Genome position (GRCh38, 1-based): chr17:50,192,693, C>T on the plus strand (G>A on the coding strand, the complement: COL1A1 is on the minus strand). VCF-style: chr17-50192693-C-T. GRCh37 (hg19) VCF-style: chr17-48270054-C-T.
Other names: short protein forms G626S.
Identifiers: ClinVar variation 2736623 (VCV002736623.4), dbSNP rs68181175, ClinGen allele CA291544273.

ClinVar aggregate classification (germline): Pathogenic. Review status: criteria provided, multiple submitters, no conflicts (2 of 4 stars). 2 submissions from 2 submitters: Pathogenic (2). Last evaluated 2025-05-23.

Conditions:
Osteogenesis imperfecta with normal sclerae, dominant form (OI4). Also called: Common Variable Osteogenesis Imperfecta with Normal Sclerae; OSTEOGENESIS IMPERFECTA, TYPE IV, WITH DENTINOGENESIS IMPERFECTA; Osteogenesis Imperfecta Type IV; OSTEOGENESIS IMPERFECTA WITH NORMAL SCLERAE; Osteogenesis imperfecta type 4. Identifiers: Orphanet 216820, Orphanet 666, MedGen C0268363, MONDO:0008148, OMIM 166220.
Osteogenesis imperfecta type I (OI1). Also called: Classic Non-deforming Osteogenesis Imperfecta with Blue Sclerae; Lobstein disease; OI, TYPE I; OSTEOGENESIS IMPERFECTA TARDA; OSTEOGENESIS IMPERFECTA WITH BLUE SCLERAE; Osteogenesis imperfecta type 1. Identifiers: Orphanet 216796, Orphanet 666, MedGen C0023931, MONDO:0008146, OMIM 166200. Disease mechanism: loss of function.

Submissions (2):

Clinical Biomedical Laboratory, Shriners Hospital For Children - Canada
Classification: Pathogenic for Osteogenesis imperfecta with normal sclerae, dominant form. Last evaluated: 2025-05-23. Review status: criteria provided, single submitter. Criteria: ACMG Guidelines, 2015. Collection method: clinical testing. Allele origin: germline. Affected: yes.
Comment: This variant is predicted to substitute a glycine residue by a serine residue in the alpha 2 chain of collagen type I. Glycine substitutions in the triple helical domain of collagen type I cause disruption in the formation of the triple helix in the collagen molecule and are a typical cause of osteogenesis imperfecta. This variant is absent from the Genome Aggregation Database (v2.1.1). The variant is predicted to be deleterious to protein function (Revel 1.00). This variant has been reported in the literature (PMID 9203215).

Labcorp Genetics (formerly Invitae), Labcorp
Classification: Pathogenic for Osteogenesis imperfecta type I. Last evaluated: 2023-01-30. Review status: criteria provided, single submitter. Criteria: Invitae Variant Classification Sherloc (09022015). Collection method: clinical testing. Allele origin: germline.
Comment: For these reasons, this variant has been classified as Pathogenic. This variant disrupts the p.Gly626 amino acid residue in COL1A1. Other variant(s) that disrupt this residue have been observed in individuals with COL1A1-related conditions (PMID: 22589248, 27509835, 34529350), which suggests that this may be a clinically significant amino acid residue. This variant disrupts the triple helix domain of COL1A1. Glycine residues within the Gly-Xaa-Yaa repeats of the triple helix domain are required for the structure and stability of fibrillar collagens (PMID: 7695699, 8218237, 19344236). In COL1A1, variants affecting these glycine residues are significantly enriched in individuals with disease (PMID: 9016532, 17078022) compared to the general population (ExAC). Algorithms developed to predict the effect of missense changes on protein structure and function are either unavailable or do not agree on the potential impact of this missense change (SIFT: "Deleterious"; PolyPhen-2: "Not Available"; Align-GVGD: "Class C55"). This variant is also known as p.Gly448Ser. This missense change has been observed in individual(s) with osteogenesis imperfecta (PMID: 22589248, 27509835, 34906519). In at least one individual the variant was observed to be de novo. This variant is not present in population databases (gnomAD no frequency). This sequence change replaces glycine, which is neutral and non-polar, with serine, which is neutral and polar, at codon 626 of the COL1A1 protein (p.Gly626Ser).

Literature cited by the submitters: PubMed 9203215 (cited by Clinical Biomedical Laboratory, Shriners Hospital For Children - Canada); PubMed 22589248 (cited by Labcorp Genetics (formerly Invitae), Labcorp); PubMed 27509835 (cited by Labcorp Genetics (formerly Invitae), Labcorp); PubMed 34529350 (cited by Labcorp Genetics (formerly Invitae), Labcorp); PubMed 7695699 (cited by Labcorp Genetics (formerly Invitae), Labcorp); PubMed 8218237 (cited by Labcorp Genetics (formerly Invitae), Labcorp); PubMed 19344236 (cited by Labcorp Genetics (formerly Invitae), Labcorp); PubMed 9016532 (cited by Labcorp Genetics (formerly Invitae), Labcorp); PubMed 17078022 (cited by Labcorp Genetics (formerly Invitae), Labcorp); PubMed 34906519 (cited by Labcorp Genetics (formerly Invitae), Labcorp).